The following is an entry in ClinVar:

ClinVar aggregate classification (germline): Likely benign (1 of 4 stars; one submission).

Allele frequency attached by ClinVar (database versions not stated): 1000 Genomes Project 30x 0.00141; 1000 Genomes Project 0.00160; TOPMed 0.00543; gnomAD 0.00561.

Submission:

CeGaT Center for Human Genetics Tuebingen
Classification: Likely benign. Last evaluated: 2023-01-01. Review status: criteria provided, single submitter. Criteria: CeGaT Center For Human Genetics Tuebingen Variant Classification Criteria Version 2. Collection method: clinical testing. Allele origin: germline. Affected: yes. Observed: 4 variant alleles.
Comment: ENSG00000271776: BS2

NR_158457.1(LOC780529):n.488G>A

Genes: OBI1-AS1 (OBI1 antisense RNA 1; plus strand), LOC780529 (uncharacterized LOC780529; plus strand). Cytogenetic location: 13q31.1.
Variant type: single nucleotide variant.
Molecular consequence: non-coding transcript variant (on NR_158457.1).
Genome position: GRCh38 VCF-style: chr13-78596609-G-A. GRCh37 (hg19) VCF-style: chr13-79170744-G-A.
Identifiers: ClinVar variation 2643863 (VCV002643863.23), dbSNP rs533631047, ClinGen allele CA253156858.